The following is an entry in ClinVar:

NM_000051.4(ATM):c.7200A>G (p.Arg2400=)

Genes: ATM (ATM serine/threonine kinase; plus strand), C11orf65 (chromosome 11 open reading frame 65; minus strand). Cytogenetic location: 11q22.3.
Variant type: single nucleotide variant.
Coding change: c.7200A>G on transcript NM_000051.4 (MANE Select); coding-DNA position 7200, A replaced by G.
Protein change: p.Arg2400=; no amino-acid change (arginine 2400 retained).
Molecular consequence: synonymous variant. On other transcripts: intron variant (2).
Genome position (GRCh38, 1-based): chr11:108,329,131, A>G. VCF-style: chr11-108329131-A-G. GRCh37 (hg19) VCF-style: chr11-108199858-A-G.
Other names: c.7200A>G, p.Arg2400= (NM_001351834.2); c.641-20060T>C (NM_001330368.2); c.*38+6089T>C (NM_001351110.2).
Identifiers: ClinVar variation 407460 (VCV000407460.49), dbSNP rs1060501534, ClinGen allele CA16613489.

ClinVar aggregate classification (germline): Benign/Likely benign. Review status: criteria provided, multiple submitters, no conflicts (2 of 4 stars). 3 submissions from 3 submitters: Benign (1); Likely benign (2). Last evaluated 2025-03-04.

Conditions:
Familial cancer of breast. Also called: Hereditary breast cancer; BREAST CANCER, FAMILIAL; hereditary breast carcinoma. Identifiers: Orphanet 227535, MedGen C0346153, MONDO:0016419, OMIM 114480. Disease mechanism: loss of function.
Ataxia-telangiectasia syndrome (AT). Also called: LOUIS-BAR SYNDROME; Cerebello-oculocutaneous telangiectasia; Immunodeficiency with ataxia telangiectasia; Ataxia-telangiectasia, complementation group D; AT, COMPLEMENTATION GROUP C; Ataxia-telangiectasia, complementation group E. Identifiers: Orphanet 100, MedGen C0004135, MONDO:0008840, OMIM 208900.

Submissions (3):

Center for Genomic Medicine, Rigshospitalet, Copenhagen University Hospital
Classification: Likely benign. Last evaluated: 2025-03-04. Review status: criteria provided, single submitter. Criteria: ACMG Guidelines, 2015. Collection method: clinical testing. Allele origin: germline.

Myriad Genetics, Inc.
Classification: Benign for Familial cancer of breast. Last evaluated: 2024-06-13. Review status: criteria provided, single submitter. Criteria: Myriad Autosomal Dominant, Autosomal Recessive and X-Linked Classification Criteria (2023). Collection method: clinical testing. Allele origin: unknown.
Comment: This variant is considered benign. This variant is a silent/synonymous amino acid change and it is not expected to impact splicing.

Labcorp Genetics (formerly Invitae), Labcorp
Classification: Likely benign for Ataxia-telangiectasia syndrome. Last evaluated: 2024-02-24. Review status: criteria provided, single submitter. Criteria: Invitae Variant Classification Sherloc (09022015). Collection method: clinical testing. Allele origin: germline.